The following is an entry in ClinVar:

ClinVar aggregate classification (germline): Uncertain significance (1 of 4 stars; one submission).

Conditions:
Inborn genetic diseases. Identifiers: MedGen C0950123, MeSH D030342.

Allele frequency attached by ClinVar (database versions not stated): ExAC 0.00001; gnomAD 0.00001; gnomAD exomes 0.00001; TOPMed 0.00002; ESP Exome Variant Server 0.00008.
gnomAD v4.1: 4 of 1,614,082 alleles (0.00025%); highest among the groups gnomAD compares: Non-Finnish European, 0.00034%; no homozygotes.

Submission:

Ambry Genetics
Classification: Uncertain significance for Inborn genetic diseases. Last evaluated: 2024-04-29. Review status: criteria provided, single submitter. Criteria: Ambry Variant Classification Scheme 2023. Collection method: clinical testing. Allele origin: germline.
Comment: The p.P39T variant (also known as c.115C>A), located in coding exon 2 of the MDH2 gene, results from a C to A substitution at nucleotide position 115. The proline at codon 39 is replaced by threonine, an amino acid with highly similar properties. This amino acid position is conserved. In addition, this alteration is predicted to be deleterious by in silico analysis. Since supporting evidence is limited at this time, the clinical significance of this alteration remains unclear.

NM_005918.4(MDH2):c.115C>A (p.Pro39Thr)

Gene: MDH2 (malate dehydrogenase 2; plus strand). Cytogenetic location: 7q11.23.
Variant type: single nucleotide variant.
Coding change: c.115C>A on transcript NM_005918.4 (MANE Select); coding-DNA position 115, C replaced by A.
Protein change: p.Pro39Thr; replaces proline 39 with threonine.
Molecular consequence: missense variant. On other transcripts: intron variant (1).
Genome position (GRCh38, 1-based): chr7:76,054,878, C>A. VCF-style: chr7-76054878-C-A. GRCh37 (hg19) VCF-style: chr7-75684196-C-A.
Other names: c.115C>A, p.Pro39Thr (NM_001282403.2); c.-86-2532C>A (NM_001282404.2); short protein forms P39T.
Identifiers: ClinVar variation 1736235 (VCV001736235.3), dbSNP rs139725372, ClinGen allele CA4305425.